The following is an entry in ClinVar:

ClinVar aggregate classification (germline): Uncertain significance (1 of 4 stars; one submission).

Allele frequency attached by ClinVar (database versions not stated): ExAC 0.00001.
gnomAD v4.1: 2 of 1,613,570 alleles (0.00012%); highest among the groups gnomAD compares: Admixed American, 0.0033%; no homozygotes.

Submission:

Labcorp Genetics (formerly Invitae), Labcorp
Classification: Uncertain significance. Last evaluated: 2023-05-23. Review status: criteria provided, single submitter. Criteria: Invitae Variant Classification Sherloc (09022015). Collection method: clinical testing. Allele origin: germline.
Comment: In summary, the available evidence is currently insufficient to determine the role of this variant in disease. Therefore, it has been classified as a Variant of Uncertain Significance. Advanced modeling of protein sequence and biophysical properties (such as structural, functional, and spatial information, amino acid conservation, physicochemical variation, residue mobility, and thermodynamic stability) performed at Invitae indicates that this missense variant is expected to disrupt TTBK2 protein function. This variant has not been reported in the literature in individuals affected with TTBK2-related conditions. This variant is present in population databases (rs766604205, gnomAD 0.006%). This sequence change replaces aspartic acid, which is acidic and polar, with tyrosine, which is neutral and polar, at codon 9 of the TTBK2 protein (p.Asp9Tyr).

NM_173500.4(TTBK2):c.25G>T (p.Asp9Tyr)

Gene: TTBK2 (tau tubulin kinase 2; minus strand). Cytogenetic location: 15q15.2.
Variant type: single nucleotide variant.
Coding change: c.25G>T on transcript NM_173500.4 (MANE Select); coding-DNA position 25, G replaced by T.
Protein change: p.Asp9Tyr; replaces aspartic acid 9 with tyrosine.
Molecular consequence: missense variant.
Genome position (GRCh38, 1-based): chr15:42,878,593, C>A on the plus strand (G>T on the coding strand, the complement: TTBK2 is on the minus strand). VCF-style: chr15-42878593-C-A. GRCh37 (hg19) VCF-style: chr15-43170791-C-A.
Other names: short protein forms D9Y.
Identifiers: ClinVar variation 2749410 (VCV002749410.3), dbSNP rs766604205, ClinGen allele CA7517612.